The following is an entry in ClinVar:

NM_000553.6(WRN):c.1652+5G>C

Gene: WRN (WRN RecQ like helicase; plus strand). Cytogenetic location: 8p12.
Variant type: single nucleotide variant.
Coding change: c.1652+5G>C on transcript NM_000553.6 (MANE Select); 5 bases into the intron after coding-DNA position 1652, G replaced by C.
Molecular consequence: intron variant.
Genome position (GRCh38, 1-based): chr8:31,088,970, G>C. VCF-style: chr8-31088970-G-C. GRCh37 (hg19) VCF-style: chr8-30946486-G-C.
Identifiers: ClinVar variation 1058748 (VCV001058748.3), dbSNP rs377547394, ClinGen allele CA4704433.
Genomic context (GRCh38, chr8:31,088,970, plus strand): 5'-AATGAAGAGCAAGTTACTTGCCTCAAGATGTACTTTGGCCATTCCAGTTTTAAACCGTGA[G>C]TATAATCTCATTTAATCAAATCACATATTTAGTATTCTCTTTAAAACAAGGGAAAAGGCA-3'

ClinVar aggregate classification (germline): Uncertain significance (1 of 4 stars; one submission).

Conditions:
Werner syndrome (WRN). Identifiers: Orphanet 902, MedGen C0043119, MONDO:0010196, OMIM 277700.

Allele frequency attached by ClinVar (database versions not stated): gnomAD exomes below 0.00001 and 0.00001; ExAC 0.00002; gnomAD 0.00003 and 0.00004; TOPMed 0.00003; ESP Exome Variant Server 0.00008.
gnomAD v4.1: 8 of 1,607,202 alleles (0.0005%); highest among the groups gnomAD compares: African/African-American, 0.011%; no homozygotes.

Submission:

Labcorp Genetics (formerly Invitae), Labcorp
Classification: Uncertain significance for Werner syndrome. Last evaluated: 2023-08-03. Review status: criteria provided, single submitter. Criteria: Invitae Variant Classification Sherloc (09022015). Collection method: clinical testing. Allele origin: germline.
Comment: In summary, the available evidence is currently insufficient to determine the role of this variant in disease. Therefore, it has been classified as a Variant of Uncertain Significance. Variants that disrupt the consensus splice site are a relatively common cause of aberrant splicing (PMID: 17576681, 9536098). Algorithms developed to predict the effect of sequence changes on RNA splicing suggest that this variant may disrupt the consensus splice site. ClinVar contains an entry for this variant (Variation ID: 1058748). This variant has not been reported in the literature in individuals affected with WRN-related conditions. This variant is present in population databases (rs377547394, gnomAD 0.02%). This sequence change falls in intron 13 of the WRN gene. It does not directly change the encoded amino acid sequence of the WRN protein. It affects a nucleotide within the consensus splice site.

Literature cited by the submitters: PubMed 17576681; PubMed 9536098.